The following is an entry in ClinVar:

ClinVar aggregate classification (germline): Uncertain significance (1 of 4 stars; one submission).

Allele frequency attached by ClinVar (database versions not stated): TOPMed below 0.00001.
gnomAD v4.1: 1 of 1,614,216 alleles (0.000062%); highest among the groups gnomAD compares: African/African-American, 0.0013%; no homozygotes.

Submission:

Center for Pediatric Genomic Medicine, Children's Mercy Hospital and Clinics
Classification: Uncertain significance. Last evaluated: 2017-01-09. Review status: criteria provided, single submitter. Criteria: ACMG Guidelines, 2015. Collection method: clinical testing. Allele origin: germline.
ClinVar note: Converted during submission from Uncertain Significance to Uncertain significance.

NM_173602.3(DIP2B):c.998G>C (p.Cys333Ser)

Gene: DIP2B (disco interacting protein 2 homolog B; plus strand). Cytogenetic location: 12q13.12.
Variant type: single nucleotide variant.
Coding change: c.998G>C on transcript NM_173602.3 (MANE Select); coding-DNA position 998, G replaced by C.
Protein change: p.Cys333Ser; replaces cysteine 333 with serine.
Molecular consequence: missense variant.
Genome position (GRCh38, 1-based): chr12:50,678,760, G>C. VCF-style: chr12-50678760-G-C. GRCh37 (hg19) VCF-style: chr12-51072543-G-C.
Other names: short protein forms C333S.
Identifiers: ClinVar variation 376904 (VCV000376904.3), dbSNP rs1006854230, ClinGen allele CA16603207.